The following is an entry in ClinVar:

ClinVar aggregate classification (germline): Uncertain significance. Review status: criteria provided, multiple submitters, no conflicts (2 of 4 stars). 2 submissions from 2 submitters: Uncertain significance (2). Last evaluated 2023-08-04.

Conditions:
Alstrom syndrome (ALMS). Identifiers: Orphanet 64, MedGen C0268425, MONDO:0008763, OMIM 203800.
Cardiovascular phenotype. Identifiers: MedGen CN230736.

Allele frequency attached by ClinVar (database versions not stated): gnomAD exomes below 0.00001; ExAC 0.00001.
gnomAD v4.1: 1 of 1,613,714 alleles (0.000062%); highest among the groups gnomAD compares: Admixed American, 0.0017%; no homozygotes.

Submissions (2):

Labcorp Genetics (formerly Invitae), Labcorp
Classification: Uncertain significance for Alstrom syndrome. Last evaluated: 2023-08-04. Review status: criteria provided, single submitter. Criteria: Invitae Variant Classification Sherloc (09022015). Collection method: clinical testing. Allele origin: germline.
Comment: In summary, the available evidence is currently insufficient to determine the role of this variant in disease. Therefore, it has been classified as a Variant of Uncertain Significance. Experimental studies and prediction algorithms are not available or were not evaluated, and the functional significance of this variant is currently unknown. ClinVar contains an entry for this variant (Variation ID: 1414468). This variant has not been reported in the literature in individuals affected with ALMS1-related conditions. This variant is present in population databases (rs747355678, gnomAD 0.003%). This sequence change replaces glutamine with glutamic acid at codon 2297 of the ALMS1 protein (p.Gln2297Glu). The glutamine residue is moderately conserved and there is a small physicochemical difference between glutamine and glutamic acid.

Ambry Genetics
Classification: Uncertain significance for Cardiovascular phenotype. Last evaluated: 2021-04-27. Review status: criteria provided, single submitter. Criteria: Ambry Variant Classification Scheme 2023. Collection method: clinical testing. Allele origin: germline.
Comment: The p.Q2297E variant (also known as c.6889C>G), located in coding exon 8 of the ALMS1 gene, results from a C to G substitution at nucleotide position 6889. The glutamine at codon 2297 is replaced by glutamic acid, an amino acid with highly similar properties. This amino acid position is well conserved in available vertebrate species. In addition, this alteration is predicted to be tolerated by in silico analysis. Since supporting evidence is limited at this time, the clinical significance of this alteration remains unclear.

NM_001378454.1(ALMS1):c.6886C>G (p.Gln2296Glu)

Gene: ALMS1 (ALMS1 centrosome and basal body associated protein; plus strand). Cytogenetic location: 2p13.1.
Variant type: single nucleotide variant.
Coding change: c.6886C>G on transcript NM_001378454.1 (MANE Select); coding-DNA position 6886, C replaced by G.
Protein change: p.Gln2296Glu; replaces glutamine 2296 with glutamic acid.
Molecular consequence: missense variant.
Genome position (GRCh38, 1-based): chr2:73,453,413, C>G. VCF-style: chr2-73453413-C-G. GRCh37 (hg19) VCF-style: chr2-73680540-C-G.
Other names: c.6889C>G, p.Gln2297Glu (NM_015120.4); short protein forms Q2297E, Q2296E.
Identifiers: ClinVar variation 1414468 (VCV001414468.6), dbSNP rs747355678, ClinGen allele CA1714142.